The following is an entry in ClinVar:

NM_001130021.3(ATP6V0A1):c.1543C>T (p.Pro515Ser)

Gene: ATP6V0A1 (ATPase H+ transporting V0 subunit a1; plus strand). Cytogenetic location: 17q21.2.
Variant type: single nucleotide variant.
Coding change: c.1543C>T on transcript NM_001130021.3 (MANE Select); coding-DNA position 1543, C replaced by T.
Protein change: p.Pro515Ser; replaces proline 515 with serine.
Molecular consequence: missense variant. On other transcripts: intron variant (1).
Genome position (GRCh38, 1-based): chr17:42,495,699, C>T. VCF-style: chr17-42495699-C-T. GRCh37 (hg19) VCF-style: chr17-40647717-C-T.
Other names: c.1564C>T, p.Pro522Ser (NM_001130020.3, NM_001378522.1, NM_001378523.1 and 3 more transcripts); c.1666C>T, p.Pro556Ser (NM_001378530.1, NM_001378533.1, NM_001378551.1 and 1 more transcripts); c.1687C>T, p.Pro563Ser (NM_001378531.1, NM_001378532.1); c.1543C>T, p.Pro515Ser (NM_001378535.1, NM_001378537.1, NM_001378542.1 and 3 more transcripts); c.1435C>T, p.Pro479Ser (NM_001378536.1, NM_001378550.1, NM_001378556.1); c.1414C>T, p.Pro472Ser (NM_001378538.1, NM_001378540.1); c.1384C>T, p.Pro462Ser (NM_001378543.1); c.1333C>T, p.Pro445Ser (NM_001378545.1, NM_001378554.1); and 3 more; short protein forms P462S, P479S, P563S, P444S, P556S, P445S, P455S, P522S.
Identifiers: ClinVar variation 5008219 (VCV005008219.1).

ClinVar aggregate classification (germline): Uncertain significance (1 of 4 stars; one submission).

gnomAD v4.1: 79 of 1,613,602 alleles (0.0049%); highest among the groups gnomAD compares: Non-Finnish European, 0.0066%; no homozygotes.

Submission:

GeneDx
Classification: Uncertain significance. Last evaluated: 2026-03-02. Review status: criteria provided, single submitter. Criteria: GeneDx Variant Classification Process June 2021. Collection method: clinical testing. Allele origin: germline.
Comment: In silico analysis supports that this missense variant has a deleterious effect on protein structure/function; Has not been previously published as pathogenic or benign to our knowledge